The following is an entry in ClinVar:

ClinVar aggregate classification (germline): Likely benign. Review status: criteria provided, multiple submitters, no conflicts (2 of 4 stars). 2 submissions from 2 submitters: Likely benign (2). Last evaluated 2024-12-01.

Allele frequency attached by ClinVar (database versions not stated): gnomAD exomes 0.00001; ExAC 0.00002; TOPMed 0.00002; gnomAD 0.00005; 1000 Genomes Project 0.00020; 1000 Genomes Project 30x 0.00031.
gnomAD v4.1: 22 of 1,613,668 alleles (0.0014%); highest among the groups gnomAD compares: African/African-American, 0.008%; no homozygotes.

Submissions (2):

CeGaT Center for Human Genetics Tuebingen
Classification: Likely benign. Last evaluated: 2024-12-01. Review status: criteria provided, single submitter. Criteria: CeGaT Center For Human Genetics Tuebingen Variant Classification Criteria Version 2. Collection method: clinical testing. Allele origin: germline. Affected: yes. Observed: 1 variant allele.
Comment: GNA11: BP4, BP7

Labcorp Genetics (formerly Invitae), Labcorp
Classification: Likely benign. Last evaluated: 2023-09-10. Review status: criteria provided, single submitter. Criteria: Invitae Variant Classification Sherloc (09022015). Collection method: clinical testing. Allele origin: germline.

NM_002067.5(GNA11):c.960C>T (p.Ser320=)

Gene: GNA11 (G protein subunit alpha 11; plus strand). Cytogenetic location: 19p13.3.
Variant type: single nucleotide variant.
Coding change: c.960C>T on transcript NM_002067.5 (MANE Select); coding-DNA position 960, C replaced by T.
Protein change: p.Ser320=; no amino-acid change (serine 320 retained).
Molecular consequence: synonymous variant.
Genome position (GRCh38, 1-based): chr19:3,121,059, C>T. VCF-style: chr19-3121059-C-T. GRCh37 (hg19) VCF-style: chr19-3121057-C-T.
Identifiers: ClinVar variation 2887405 (VCV002887405.16), dbSNP rs150929326, ClinGen allele CA9075112.